The following is an entry in ClinVar:

ClinVar aggregate classification (germline): Benign. Review status: criteria provided, multiple submitters, no conflicts (2 of 4 stars). 3 submissions from 3 submitters: Benign (3). Last evaluated 2026-01-05.

Conditions:
Fanconi-Bickel syndrome (FBS). Also called: HEPATIC GLYCOGENOSIS WITH FANCONI NEPHROPATHY; HEPATORENAL GLYCOGENOSIS WITH RENAL FANCONI SYNDROME; PSEUDO-PHLORIZIN DIABETES; Glycogen storage disease due to GLUT2 deficiency; FANCONI SYNDROME WITH INTESTINAL MALABSORPTION AND GALACTOSE INTOLERANCE; HEPATIC GLYCOGENOSIS WITH AMINO ACIDURIA AND GLUCOSURIA. Identifiers: Orphanet 2088, MedGen C3495427, MONDO:0009216, OMIM 227810.

Allele frequency attached by ClinVar (database versions not stated): gnomAD 0.00040 and 0.00060; gnomAD exomes 0.00103; ExAC 0.00106; TOPMed 0.00161; 1000 Genomes Project 30x 0.00312; 1000 Genomes Project 0.00359.
gnomAD v4.1: 581 of 1,613,572 alleles (0.036%); highest among the groups gnomAD compares: East Asian, 1.1%; 8 homozygotes.

Submissions (3):

Labcorp Genetics (formerly Invitae), Labcorp
Classification: Benign for Fanconi-Bickel syndrome. Last evaluated: 2026-01-05. Review status: criteria provided, single submitter. Criteria: Invitae Variant Classification Sherloc (09022015). Collection method: clinical testing. Allele origin: germline.

GeneDx
Classification: Benign. Last evaluated: 2018-08-22. Review status: criteria provided, single submitter. Criteria: GeneDx Variant Classification Process June 2021. Collection method: clinical testing. Allele origin: germline. Affected: yes.

Illumina Laboratory Services, Illumina
Classification: Benign for Fanconi-Bickel syndrome. Last evaluated: 2018-01-12. Review status: criteria provided, single submitter. Criteria: ICSL Variant Classification Criteria 13 December 2019. Collection method: clinical testing. Allele origin: germline.
Comment: This variant was observed in the ICSL laboratory as part of a predisposition screen in an ostensibly healthy population. It had not been previously curated by ICSL or reported in the Human Gene Mutation Database (HGMD: prior to June 1st, 2018), and was therefore a candidate for classification through an automated scoring system. Utilizing variant allele frequency, disease prevalence and penetrance estimates, and inheritance mode, an automated score was calculated to assess if this variant is too frequent to cause the disease. Based on the score and internal cut-off values, a variant classified as benign is not then subjected to further curation. The score for this variant resulted in a classification of benign for this disease.

NM_000340.2(SLC2A2):c.1402C>G (p.Leu468Val)

Gene: SLC2A2 (solute carrier family 2 member 2; minus strand). Cytogenetic location: 3q26.2.
Variant type: single nucleotide variant.
Coding change: c.1402C>G on transcript NM_000340.2 (MANE Select); coding-DNA position 1402, C replaced by G.
Protein change: p.Leu468Val; replaces leucine 468 with valine.
Molecular consequence: missense variant.
Genome position (GRCh38, 1-based): chr3:170,998,076, G>C on the plus strand (C>G on the coding strand, the complement: SLC2A2 is on the minus strand). VCF-style: chr3-170998076-G-C. GRCh37 (hg19) VCF-style: chr3-170715865-G-C.
Other names: c.1045C>G, p.Leu349Val (NM_001278658.2); c.883C>G, p.Leu295Val (NM_001278659.2); short protein forms L468V, L349V, L295V.
Identifiers: ClinVar variation 344160 (VCV000344160.15), dbSNP rs140138702, ClinGen allele CA2702406.